The following is an entry in ClinVar:

NM_000132.4(F8):c.4300C>G (p.His1434Asp)

Gene: F8 (coagulation factor VIII; minus strand). Cytogenetic location: Xq28.
Variant type: single nucleotide variant.
Coding change: c.4300C>G on transcript NM_000132.4 (MANE Select); coding-DNA position 4300, C replaced by G.
Protein change: p.His1434Asp; replaces histidine 1434 with aspartic acid.
Molecular consequence: missense variant.
Genome position (GRCh38, 1-based): chrX:154,929,490, G>C on the plus strand (C>G on the coding strand, the complement: F8 is on the minus strand). VCF-style: chrX-154929490-G-C. GRCh37 (hg19) VCF-style: chrX-154157765-G-C.
Other names: short protein forms H1434D.
Identifiers: ClinVar variation 2633411 (VCV002633411.1), dbSNP rs2073179597, ClinGen allele CA414918635.

ClinVar aggregate classification (germline): Uncertain significance (1 of 4 stars; one submission).

Conditions:
F8-related disorder. Also called: F8-related condition.

Submission:

PreventionGenetics, part of Exact Sciences
Classification: Uncertain significance for F8-related condition. Last evaluated: 2023-03-14. Review status: criteria provided, single submitter. Criteria: ACMG Guidelines, 2015. Collection method: clinical testing. Allele origin: germline.
Comment: The F8 c.4300C>G variant is predicted to result in the amino acid substitution p.His1434Asp. To our knowledge, this variant has not been reported in the literature or in a large population database, indicating this variant is rare. At this time, the clinical significance of this variant is uncertain due to the absence of conclusive functional and genetic evidence.